The following is an entry in ClinVar:

ClinVar aggregate classification (germline): Pathogenic (1 of 4 stars; one submission).

Conditions:
Beta-D-mannosidosis (MANSB). Also called: MANNOSIDOSIS, BETA A, LYSOSOMAL; BETA-MANNOSIDASE DEFICIENCY; LYSOSOMAL BETA-MANNOSIDASE DEFICIENCY; Beta-Mannosidosis. Identifiers: Orphanet 118, MedGen C4048196, MONDO:0009562, OMIM 248510.

Allele frequency attached by ClinVar (database versions not stated): gnomAD exomes below 0.00001; ExAC 0.00001.
gnomAD v4.1: 2 of 1,603,816 alleles (0.00012%); highest among the groups gnomAD compares: Non-Finnish European, 0.00017%; no homozygotes.

Submission:

Labcorp Genetics (formerly Invitae), Labcorp
Classification: Pathogenic for Beta-D-mannosidosis. Last evaluated: 2023-05-19. Review status: criteria provided, single submitter. Criteria: Invitae Variant Classification Sherloc (09022015). Collection method: clinical testing. Allele origin: germline.
Comment: For these reasons, this variant has been classified as Pathogenic. This variant is present in population databases (rs777415626, gnomAD 0.002%). This variant has not been reported in the literature in individuals affected with MANBA-related conditions. This sequence change creates a premature translational stop signal (p.Trp291*) in the MANBA gene. It is expected to result in an absent or disrupted protein product. Loss-of-function variants in MANBA are known to be pathogenic (PMID: 9384606, 12468273).

Literature cited by the submitters: PubMed 9384606; PubMed 12468273.

NM_005908.4(MANBA):c.873G>A (p.Trp291Ter)

Gene: MANBA (mannosidase beta; minus strand). Cytogenetic location: 4q24.
Variant type: single nucleotide variant.
Coding change: c.873G>A on transcript NM_005908.4 (MANE Select); coding-DNA position 873, G replaced by A.
Protein change: p.Trp291Ter; replaces tryptophan 291 with a stop codon.
Molecular consequence: nonsense.
Genome position (GRCh38, 1-based): chr4:102,689,661, C>T on the plus strand (G>A on the coding strand, the complement: MANBA is on the minus strand). VCF-style: chr4-102689661-C-T. GRCh37 (hg19) VCF-style: chr4-103610818-C-T.
Other names: short protein forms W291*.
Identifiers: ClinVar variation 2847788 (VCV002847788.3), dbSNP rs777415626, ClinGen allele CA3027073.